The following is an entry in ClinVar:

ClinVar aggregate classification (germline): Uncertain significance (1 of 4 stars; one submission).

Conditions:
Jeune thoracic dystrophy. Also called: Jeune syndrome; Infantile thoracic dystrophy; Thoracic pelvic phalangeal dystrophy; Jeune's syndrome; Chondroectodermal dysplasia-like syndrome; Short-rib thoracic dysplasia. Identifiers: Orphanet 474, MedGen C0265275, MONDO:0018770.

Allele frequency attached by ClinVar (database versions not stated): gnomAD exomes below 0.00001.
gnomAD v4.1: 4 of 1,613,766 alleles (0.00025%); highest among the groups gnomAD compares: South Asian, 0.0044%; no homozygotes.

Submission:

Labcorp Genetics (formerly Invitae), Labcorp
Classification: Uncertain significance for Jeune thoracic dystrophy. Last evaluated: 2020-12-23. Review status: criteria provided, single submitter. Criteria: Invitae Variant Classification Sherloc (09022015). Collection method: clinical testing. Allele origin: germline.
Comment: In summary, the available evidence is currently insufficient to determine the role of this variant in disease. Therefore, it has been classified as a Variant of Uncertain Significance. Advanced modeling of protein sequence and biophysical properties (such as structural, functional, and spatial information, amino acid conservation, physicochemical variation, residue mobility, and thermodynamic stability) performed at Invitae indicates that this missense variant is not expected to disrupt DYNC2H1 protein function. This variant has not been reported in the literature in individuals with DYNC2H1-related conditions. This variant is not present in population databases (ExAC no frequency). This sequence change replaces lysine with arginine at codon 4120 of the DYNC2H1 protein (p.Lys4120Arg). The lysine residue is moderately conserved and there is a small physicochemical difference between lysine and arginine.

NM_001377.3(DYNC2H1):c.12338A>G (p.Lys4113Arg)

Gene: DYNC2H1 (dynein cytoplasmic 2 heavy chain 1; plus strand). Cytogenetic location: 11q22.3.
Variant type: single nucleotide variant.
Coding change: c.12338A>G on transcript NM_001377.3 (MANE Select); coding-DNA position 12338, A replaced by G.
Protein change: p.Lys4113Arg; replaces lysine 4113 with arginine.
Molecular consequence: missense variant.
Genome position (GRCh38, 1-based): chr11:103,399,844, A>G. VCF-style: chr11-103399844-A-G. GRCh37 (hg19) VCF-style: chr11-103270572-A-G.
Other names: c.12359A>G, p.Lys4120Arg (NM_001080463.2); short protein forms K4120R, K4113R.
Identifiers: ClinVar variation 1467528 (VCV001467528.8), dbSNP rs1420095948, ClinGen allele CA382270311.
Genomic context (GRCh38, chr11:103,399,844, plus strand): 5'-CTCTTGCTGCTCTCAGCAAAGTCATCAGAGGAACTACTTTACTGAGTTCAGAAGTACAAA[A>G]ATTGGCAAGTGCTTTATTAAACCAAAAGGTAAGCGAGTACTAACTGTATGTATTTTTATT-3'
Protein context (NP_001368.2, residues 4103-4123): GTTLLSSEVQ[Lys4113Arg]LASALLNQKC